The following is an entry in ClinVar:

ClinVar aggregate classification (germline): Pathogenic (1 of 4 stars; one submission).

Conditions:
Primary ciliary dyskinesia. Also called: Ciliary dyskinesia. Identifiers: Orphanet 244, MedGen C0008780, MONDO:0016575, HP:0012265.

Submission:

Labcorp Genetics (formerly Invitae), Labcorp
Classification: Pathogenic for Primary ciliary dyskinesia. Last evaluated: 2022-05-07. Review status: criteria provided, single submitter. Criteria: Invitae Variant Classification Sherloc (09022015). Collection method: clinical testing. Allele origin: germline.
Comment: For these reasons, this variant has been classified as Pathogenic. This variant has not been reported in the literature in individuals affected with DNAH8-related conditions. This variant is present in population databases (rs771580014, gnomAD 0.002%). This sequence change creates a premature translational stop signal (p.Ile375Argfs*5) in the DNAH8 gene. It is expected to result in an absent or disrupted protein product. Loss-of-function variants in DNAH8 are known to be pathogenic (PMID: 24307375, 32619401, 32681648).

Literature cited by the submitters: PubMed 24307375; PubMed 32619401; PubMed 32681648.

NM_001206927.2(DNAH8):c.1124_1127del (p.Ile375fs)

Gene: DNAH8 (dynein axonemal heavy chain 8; plus strand). Cytogenetic location: 6p21.2.
Variant type: Deletion.
Coding change: c.1124_1127del on transcript NM_001206927.2 (MANE Select); coding-DNA positions 1124 to 1127, 4 bases deleted (TTGA; older notation c.1124_1127delTTGA).
Protein change: p.Ile375fs; shifts the reading frame from isoleucine 375.
Molecular consequence: frameshift variant.
Genome position (GRCh38, 1-based): chr6:38,741,718-38,741,721, TTGA deleted; deleting any 4 consecutive bases within chr6:38,741,717-38,741,721 gives the same sequence; the c. name uses the placement nearest the transcript's 3' end. VCF-style (leftmost placement, unchanged base first): chr6-38741716-TATTG-T. GRCh37 (hg19) VCF-style: chr6-38709492-TATTG-T.
Other names: c.473_476del, p.Ile158fs (NM_001371.4); short protein forms I158fs, I375fs.
Identifiers: ClinVar variation 2159717 (VCV002159717.4), dbSNP rs771580014, ClinGen allele CA3788144.